The following is an entry in ClinVar:

NM_006269.2(RP1):c.529A>G (p.Thr177Ala)

Gene: RP1 (RP1 axonemal microtubule associated; plus strand). Cytogenetic location: 8q12.1.
Variant type: single nucleotide variant.
Coding change: c.529A>G on transcript NM_006269.2 (MANE Select); coding-DNA position 529, A replaced by G.
Protein change: p.Thr177Ala; replaces threonine 177 with alanine.
Molecular consequence: missense variant.
Genome position (GRCh38, 1-based): chr8:54,621,495, A>G. VCF-style: chr8-54621495-A-G. GRCh37 (hg19) VCF-style: chr8-55534055-A-G.
Other names: c.529A>G, p.Thr177Ala (NM_001375654.1); short protein forms T177A.
Identifiers: ClinVar variation 1063070 (VCV001063070.9), dbSNP rs1805874590, ClinGen allele CA370987154.

ClinVar aggregate classification (germline): Uncertain significance (1 of 4 stars; one submission).

gnomAD v4.1: 4 of 1,614,064 alleles (0.00025%); highest among the groups gnomAD compares: East Asian, 0.0089%; no homozygotes.

Submission:

Labcorp Genetics (formerly Invitae), Labcorp
Classification: Uncertain significance. Last evaluated: 2024-10-15. Review status: criteria provided, single submitter. Criteria: Invitae Variant Classification Sherloc (09022015). Collection method: clinical testing. Allele origin: germline.
Comment: This sequence change replaces threonine, which is neutral and polar, with alanine, which is neutral and non-polar, at codon 177 of the RP1 protein (p.Thr177Ala). This variant is not present in population databases (gnomAD no frequency). This variant has not been reported in the literature in individuals affected with RP1-related conditions. ClinVar contains an entry for this variant (Variation ID: 1063070). An algorithm developed to predict the effect of missense changes on protein structure and function outputs the following: PolyPhen-2: "Benign". The alanine amino acid residue is found in multiple mammalian species, which suggests that this missense change does not adversely affect protein function. In summary, the available evidence is currently insufficient to determine the role of this variant in disease. Therefore, it has been classified as a Variant of Uncertain Significance.